The following is an entry in ClinVar:

ClinVar aggregate classification (germline): Likely pathogenic (1 of 4 stars; one submission).

Conditions:
Familial dysautonomia. Also called: HSAN III; FD. Identifiers: Orphanet 1764, MedGen C0013364, MONDO:0009131, OMIM 223900. Disease mechanism: loss of function.

Submission:

Myriad Genetics, Inc.
Classification: Likely pathogenic for Familial dysautonomia. Last evaluated: 2022-03-20. Review status: criteria provided, single submitter. Criteria: Myriad Women's Health Autosomal Recessive and X-Linked Classification Criteria (2021). Collection method: clinical testing. Allele origin: unknown.
Comment: NM_003640.3(ELP1):c.3510delC(S1170Rfs*4) is expected to be pathogenic in the context of familial dysautonomia. This variant is predicted to lead to an abnormal or absent protein product due to the creation of a premature termination codon in ELP1, a gene where loss-of-function variants are known to be pathogenic. Please note: this variant was assessed in the context of healthy population screening.

NM_003640.5(ELP1):c.3510del (p.Ser1170fs)

Gene: ELP1 (elongator acetyltransferase complex subunit 1; minus strand). Cytogenetic location: 9q31.3.
Variant type: Deletion.
Coding change: c.3510del on transcript NM_003640.5 (MANE Select); coding-DNA position 3510, one base deleted (C; older notation c.3510delC).
Protein change: p.Ser1170fs; shifts the reading frame from serine 1170.
Molecular consequence: frameshift variant.
Genome position (GRCh38, 1-based): chr9:108,879,508, G deleted on the plus strand (C on the coding strand, the reverse complement: ELP1 is on the minus strand). VCF-style (leftmost placement, unchanged base first): chr9-108879507-TG-T. GRCh37 (hg19) VCF-style: chr9-111641787-TG-T.
Other names: c.3168del, p.Ser1056fs (NM_001318360.2); c.2463del, p.Ser821fs (NM_001330749.2); short protein forms S1056fs, S1170fs, S821fs.
Identifiers: ClinVar variation 1725422 (VCV001725422.2), dbSNP rs2537857791, ClinGen allele CA2580079386.
Genomic context (GRCh38, chr9:108,879,507, plus strand): 5'-CTGATATCCTGGAGTTACTATGGGAGTATTTGCCACTCATCTCACTGCCACTCACGACAC[TG>T]CTAGTTTCAGAGAAGAGGTCTGACTCTTGCCCGTGGGGTACCTCATCATCTAGAAAAGAA-3'